The following is an entry in ClinVar:

NM_001184.4(ATR):c.5012A>G (p.Glu1671Gly)

Gene: ATR (ATR checkpoint kinase; minus strand). Cytogenetic location: 3q23.
Variant type: single nucleotide variant.
Coding change: c.5012A>G on transcript NM_001184.4 (MANE Select); coding-DNA position 5012, A replaced by G.
Protein change: p.Glu1671Gly; replaces glutamic acid 1671 with glycine.
Molecular consequence: missense variant.
Genome position (GRCh38, 1-based): chr3:142,507,950, T>C on the plus strand (A>G on the coding strand, the complement: ATR is on the minus strand). VCF-style: chr3-142507950-T-C. GRCh37 (hg19) VCF-style: chr3-142226792-T-C.
Other names: c.4820A>G, p.Glu1607Gly (NM_001354579.2); short protein forms E1607G, E1671G.
Identifiers: ClinVar variation 1744768 (VCV001744768.2), dbSNP rs2473199911, ClinGen allele CA354820398.

ClinVar aggregate classification (germline): Uncertain significance (1 of 4 stars; one submission).

Conditions:
Inborn genetic diseases. Identifiers: MedGen C0950123, MeSH D030342.

Submission:

Ambry Genetics
Classification: Uncertain significance for Inborn genetic diseases. Last evaluated: 2021-11-06. Review status: criteria provided, single submitter. Criteria: Ambry Variant Classification Scheme 2023. Collection method: clinical testing. Allele origin: germline.
Comment: The p.E1671G variant (also known as c.5012A>G), located in coding exon 28 of the ATR gene, results from an A to G substitution at nucleotide position 5012. The glutamic acid at codon 1671 is replaced by glycine, an amino acid with similar properties. This amino acid position is conserved. In addition, this alteration is predicted to be tolerated by in silico analysis. Since supporting evidence is limited at this time, the clinical significance of this alteration remains unclear.